The following is an entry in ClinVar:

NM_015215.4(CAMTA1):c.805G>T (p.Gly269Ter)

Gene: CAMTA1 (calmodulin binding transcription activator 1; plus strand). Cytogenetic location: 1p36.23.
Variant type: single nucleotide variant.
Coding change: c.805G>T on transcript NM_015215.4 (MANE Select); coding-DNA position 805, G replaced by T.
Protein change: p.Gly269Ter; replaces glycine 269 with a stop codon.
Molecular consequence: nonsense.
Genome position (GRCh38, 1-based): chr1:7,661,866, G>T. VCF-style: chr1-7661866-G-T. GRCh37 (hg19) VCF-style: chr1-7721926-G-T.
Other names: c.715G>T, p.Gly239Ter (NM_001349608.2, NM_001349612.2); c.805G>T, p.Gly269Ter (NM_001349609.2, NM_001349610.2, NM_001410737.1); c.733G>T, p.Gly245Ter (NM_001410738.1); short protein forms G239*, G245*, G269*.
Identifiers: ClinVar variation 4856114 (VCV004856114.1).

ClinVar aggregate classification (germline): Likely pathogenic (1 of 4 stars; one submission).

Conditions:
Cerebellar dysfunction with variable cognitive and behavioral abnormalities (CECBA). Also called: Nonprogressive cerebellar atxia with intellectual disability. Identifiers: Orphanet 314647, MedGen C3553661, MONDO:0013886, OMIM 614756.

Submission:

3billion
Classification: Likely pathogenic for Cerebellar dysfunction with variable cognitive and behavioral abnormalities. Last evaluated: 2025-10-01. Review status: criteria provided, single submitter. Criteria: ACMG Guidelines, 2015. Collection method: clinical testing. Allele origin: germline. Affected: yes.
Comment: The variant is not observed in the gnomAD v4.1.0 dataset. Predicted Consequence/Location: Stop-gained (nonsense): predicted to result in a loss or disruption of normal protein function through nonsense-mediated decay (NMD) or protein truncation. Multiple pathogenic variants are reported downstream of the variant. Therefore, this variant is classified as Likely pathogenic according to the recommendation of ACMG/AMP guideline.